The following is an entry in ClinVar:

NM_014484.5(MOCS3):c.43G>A (p.Ala15Thr)

Gene: MOCS3 (molybdenum cofactor synthesis 3; plus strand). Cytogenetic location: 20q13.13.
Variant type: single nucleotide variant.
Coding change: c.43G>A on transcript NM_014484.5 (MANE Select); coding-DNA position 43, G replaced by A.
Protein change: p.Ala15Thr; replaces alanine 15 with threonine.
Molecular consequence: missense variant.
Genome position (GRCh38, 1-based): chr20:50,958,885, G>A. VCF-style: chr20-50958885-G-A. GRCh37 (hg19) VCF-style: chr20-49575422-G-A.
Other names: c.43G>A (NM_014484.3); short protein forms A15T.
Identifiers: ClinVar variation 3677388 (VCV003677388.3).

ClinVar aggregate classification (germline): Uncertain significance. Review status: criteria provided, multiple submitters, no conflicts (2 of 4 stars). 2 submissions from 2 submitters: Uncertain significance (2). Last evaluated 2025-01-21.

Submissions (2):

Ambry Genetics
Classification: Uncertain significance. Last evaluated: 2025-01-21. Review status: criteria provided, single submitter. Criteria: Ambry Variant Classification Scheme 2023. Collection method: clinical testing. Allele origin: germline.

Labcorp Genetics (formerly Invitae), Labcorp
Classification: Uncertain significance. Last evaluated: 2024-02-15. Review status: criteria provided, single submitter. Criteria: Invitae Variant Classification Sherloc (09022015). Collection method: clinical testing. Allele origin: germline.
Comment: This sequence change replaces alanine, which is neutral and non-polar, with threonine, which is neutral and polar, at codon 15 of the MOCS3 protein (p.Ala15Thr). This variant is not present in population databases (gnomAD no frequency). This variant has not been reported in the literature in individuals affected with MOCS3-related conditions. Algorithms developed to predict the effect of missense changes on protein structure and function output the following: SIFT: "Not Available"; PolyPhen-2: "Benign"; Align-GVGD: "Not Available". The threonine amino acid residue is found in multiple mammalian species, which suggests that this missense change does not adversely affect protein function. In summary, the available evidence is currently insufficient to determine the role of this variant in disease. Therefore, it has been classified as a Variant of Uncertain Significance.